The following is an entry in ClinVar:

NM_000092.5(COL4A4):c.3904C>G (p.Pro1302Ala)

Gene: COL4A4 (collagen type IV alpha 4 chain; minus strand). Cytogenetic location: 2q36.3.
Variant type: single nucleotide variant.
Coding change: c.3904C>G on transcript NM_000092.5 (MANE Select); coding-DNA position 3904, C replaced by G.
Protein change: p.Pro1302Ala; replaces proline 1302 with alanine.
Molecular consequence: missense variant.
Genome position (GRCh38, 1-based): chr2:227,030,512, G>C on the plus strand (C>G on the coding strand, the complement: COL4A4 is on the minus strand). VCF-style: chr2-227030512-G-C. GRCh37 (hg19) VCF-style: chr2-227895228-G-C.
Other names: short protein forms P1302A.
Identifiers: ClinVar variation 4074424 (VCV004074424.1).

ClinVar aggregate classification (germline): Uncertain significance (1 of 4 stars; one submission).

Submission:

GeneDx
Classification: Uncertain significance. Last evaluated: 2025-02-04. Review status: criteria provided, single submitter. Criteria: GeneDx Variant Classification Process June 2021. Collection method: clinical testing. Allele origin: germline. Affected: yes.
Comment: Not observed at significant frequency in large population cohorts (gnomAD); In silico analysis indicates that this missense variant does not alter protein structure/function; Has not been previously published as pathogenic or benign to our knowledge; Occurs in the triple helical domain at the X position in the canonical Gly-X-Y repeat; although this variant may have an effect on normal protein folding and function, missense substitution at the X position is not a common mechanism of disease